The following is an entry in ClinVar:

NM_003001.5(SDHC):c.496C>T (p.Leu166=)

Gene: SDHC (succinate dehydrogenase complex subunit C; plus strand). Cytogenetic location: 1q23.3.
Variant type: single nucleotide variant.
Coding change: c.496C>T on transcript NM_003001.5 (MANE Select); coding-DNA position 496, C replaced by T.
Protein change: p.Leu166=; no amino-acid change (leucine 166 retained).
Molecular consequence: synonymous variant. On other transcripts: missense variant (3), non-coding transcript variant (1).
Genome position (GRCh38, 1-based): chr1:161,362,419, C>T. VCF-style: chr1-161362419-C-T. GRCh37 (hg19) VCF-style: chr1-161332209-C-T.
Other names: c.332C>T, p.Ala111Val (NM_001035511.3); c.394C>T, p.Leu132= (NM_001035512.3); c.337C>T, p.Leu113= (NM_001035513.3); c.230C>T, p.Ala77Val (NM_001278172.3); c.616C>T, p.Leu206= (NM_001407115.1); c.439C>T, p.Leu147= (NM_001407116.1); c.433C>T, p.Leu145= (NM_001407117.1); c.388C>T, p.Leu130= (NM_001407118.1); and 2 more; short protein forms A111V, A77V, A92V.
Identifiers: ClinVar variation 1124611 (VCV001124611.11), dbSNP rs2102385898, ClinGen allele CA343457971.

ClinVar aggregate classification (germline): Benign/Likely benign. Review status: criteria provided, multiple submitters, no conflicts (2 of 4 stars). 3 submissions from 3 submitters: Benign (1); Likely benign (2). Last evaluated 2025-03-17.

Conditions:
Pheochromocytoma/paraganglioma syndrome 3. Also called: Paragangliomas 3; SDHC-Related Hereditary Paraganglioma-Pheochromocytoma Syndrome (Paragangliomas 3); SDHC-Related Hereditary Paraganglioma-Pheochromocytoma Syndrome; GLOMUS TUMORS, FAMILIAL, 3. Identifiers: Orphanet 29072, MedGen C1854336, MONDO:0011544, OMIM 605373.
Gastrointestinal stromal tumor. Also called: Gastrointestinal stroma tumor; Gastrointestinal stromal tumor, somatic. Identifiers: Orphanet 44890, MedGen C0238198, MeSH D046152, MONDO:0011719, OMIM 606764, HP:0100723.
Hereditary cancer-predisposing syndrome. Also called: Neoplastic Syndromes, Hereditary; Hereditary Cancer Syndrome; Hereditary neoplastic syndrome; Tumor predisposition. Identifiers: Orphanet 140162, MedGen C0027672, MeSH D009386, MONDO:0015356.

Submissions (3):

Myriad Genetics, Inc.
Classification: Benign for Pheochromocytoma/paraganglioma syndrome 3. Last evaluated: 2025-03-17. Review status: criteria provided, single submitter. Criteria: Myriad Autosomal Dominant, Autosomal Recessive and X-Linked Classification Criteria (2023). Collection method: clinical testing. Allele origin: unknown.
Comment: This variant is considered benign. This variant is a silent/synonymous amino acid change and it is not expected to impact splicing.

Labcorp Genetics (formerly Invitae), Labcorp
Classification: Likely benign for Pheochromocytoma/paraganglioma syndrome 3; Gastrointestinal stromal tumor. Last evaluated: 2024-12-21. Review status: criteria provided, single submitter. Criteria: Invitae Variant Classification Sherloc (09022015). Collection method: clinical testing. Allele origin: germline.

Ambry Genetics
Classification: Likely benign for Hereditary cancer-predisposing syndrome. Last evaluated: 2022-01-24. Review status: criteria provided, single submitter. Criteria: Ambry Variant Classification Scheme 2023. Collection method: clinical testing. Allele origin: germline.